The following is an entry in ClinVar:

NM_177550.5(SLC13A5):c.761T>G (p.Phe254Cys)

Gene: SLC13A5 (solute carrier family 13 member 5; minus strand). Cytogenetic location: 17p13.1.
Variant type: single nucleotide variant.
Coding change: c.761T>G on transcript NM_177550.5 (MANE Select); coding-DNA position 761, T replaced by G.
Protein change: p.Phe254Cys; replaces phenylalanine 254 with cysteine.
Molecular consequence: missense variant.
Genome position (GRCh38, 1-based): chr17:6,701,082, A>C on the plus strand (T>G on the coding strand, the complement: SLC13A5 is on the minus strand). VCF-style: chr17-6701082-A-C. GRCh37 (hg19) VCF-style: chr17-6604401-A-C.
Other names: c.761T>G, p.Phe254Cys (NM_001143838.3); c.710T>G, p.Phe237Cys (NM_001284509.2); c.632T>G, p.Phe211Cys (NM_001284510.2); short protein forms F237C, F211C, F254C.
Identifiers: ClinVar variation 1473093 (VCV001473093.6), dbSNP rs763190407, ClinGen allele CA397747215.
Genomic context (GRCh38, chr17:6,701,082, plus strand): 5'-AACTGGAGCCACAGCCAGGCGAACAGCAGCATCACCAGCATGTTGGGAAAGGCAAATGCA[A>C]ACCAGGAAGCAAAGTTCACGAGGTCCTTGCTGTCAGGAAACAACCTACAAGAAGACACCG-3'
Protein context (NP_808218.1, residues 244-264): SKDLVNFASW[Phe254Cys]AFAFPNMLVM

ClinVar aggregate classification (germline): Uncertain significance (1 of 4 stars; one submission).

Conditions:
Developmental and epileptic encephalopathy, 25 (DEE25). Also called: Epileptic encephalopathy, early infantile, 25; Developmental and epileptic encephalopathy 25, with amelogenesis imperfecta; Epileptic encephalopathy, early infantile, 25, with amelogenesis imperfecta. Identifiers: Orphanet 442835, MedGen C4014621, MONDO:0014392, OMIM 615905.

gnomAD v4.1: 1 of 1,614,224 alleles (0.000062%); no homozygotes.

Submission:

Labcorp Genetics (formerly Invitae), Labcorp
Classification: Uncertain significance for Developmental and epileptic encephalopathy, 25. Last evaluated: 2021-08-28. Review status: criteria provided, single submitter. Criteria: Invitae Variant Classification Sherloc (09022015). Collection method: clinical testing. Allele origin: germline.
Comment: In summary, the available evidence is currently insufficient to determine the role of this variant in disease. Therefore, it has been classified as a Variant of Uncertain Significance. Algorithms developed to predict the effect of missense changes on protein structure and function (SIFT, PolyPhen-2, Align-GVGD) all suggest that this variant is likely to be disruptive. This variant has not been reported in the literature in individuals affected with SLC13A5-related conditions. This variant is not present in population databases (ExAC no frequency). This sequence change replaces phenylalanine with cysteine at codon 254 of the SLC13A5 protein (p.Phe254Cys). The phenylalanine residue is highly conserved and there is a large physicochemical difference between phenylalanine and cysteine.